The following is an entry in ClinVar:

ClinVar aggregate classification (germline): Uncertain significance (1 of 4 stars; one submission).

gnomAD v4.1: 3 of 1,417,364 alleles (0.00021%); highest among the groups gnomAD compares: African/African-American, 0.0015%; no homozygotes.

Submission:

GeneDx
Classification: Uncertain significance. Last evaluated: 2025-09-16. Review status: criteria provided, single submitter. Criteria: GeneDx Variant Classification Process June 2021. Collection method: clinical testing. Allele origin: germline. Affected: yes.
Comment: Identified with a second GCH1 variant on the same allele (in cis) in a patient with dopa-responsive dystonia (PMID: 9778264); Located in a regulatory region; published functional studies suggest the variant does not impair gene expression (PMID: 24124602); Not observed at significant frequency in large population cohorts (gnomAD); Nucleotide is not conserved across species and the substitution has no predicted effect on splicing; This variant is associated with the following publications: (PMID: 16917893, 24124602, 9778264)

NM_000161.3(GCH1):c.-39C>T

Genes: GCH1 (GTP cyclohydrolase 1; minus strand), LOC130055692 (ATAC-STARR-seq lymphoblastoid silent region 5776; plus strand). Cytogenetic location: 14q22.2.
Variant type: single nucleotide variant.
Coding change: c.-39C>T on transcript NM_000161.3 (MANE Select); 39 bases upstream of the start codon, C replaced by T.
Molecular consequence: 5 prime UTR variant.
Genome position (GRCh38, 1-based): chr14:54,902,702, G>A on the plus strand (C>T on the coding strand, the complement: GCH1 is on the minus strand). VCF-style: chr14-54902702-G-A. GRCh37 (hg19) VCF-style: chr14-55369420-G-A.
Other names: c.-39C>T (NM_001024024.2, NM_001024070.2, NM_001024071.2 and 1 more transcripts).
Identifiers: ClinVar variation 4813394 (VCV004813394.1).